The following is an entry in ClinVar:

ClinVar aggregate classification (germline): Conflicting classifications of pathogenicity. Review status: criteria provided, conflicting classifications (1 of 4 stars). 3 submissions from 3 submitters: Uncertain significance (2); Likely benign (1). Last evaluated 2026-07-30.

Conditions:
Hereditary cancer-predisposing syndrome. Also called: Neoplastic Syndromes, Hereditary; Hereditary neoplastic syndrome; Hereditary Cancer Syndrome; Tumor predisposition. Identifiers: Orphanet 140162, MedGen C0027672, MeSH D009386, MONDO:0015356.
Hereditary diffuse gastric adenocarcinoma (HDGC). Also called: DIFFUSE GASTRIC AND LOBULAR BREAST CANCER SYNDROME. Identifiers: Orphanet 26106, MedGen C1708349, MONDO:0007648, OMIM 137215.

Submissions (3):

Ambry Genetics
Classification: Likely benign for Hereditary cancer-predisposing syndrome. Last evaluated: 2026-07-30. Review status: criteria provided, single submitter. Criteria: Ambry Variant Classification Scheme 2023. Collection method: clinical testing. Allele origin: germline.

Labcorp Genetics (formerly Invitae), Labcorp
Classification: Uncertain significance for Hereditary diffuse gastric adenocarcinoma. Last evaluated: 2024-11-03. Review status: criteria provided, single submitter. Criteria: Invitae Variant Classification Sherloc (09022015). Collection method: clinical testing. Allele origin: germline.
Comment: This sequence change replaces aspartic acid, which is acidic and polar, with histidine, which is basic and polar, at codon 308 of the CDH1 protein (p.Asp308His). This variant is not present in population databases (gnomAD no frequency). This variant has not been reported in the literature in individuals affected with CDH1-related conditions. ClinVar contains an entry for this variant (Variation ID: 483243). An algorithm developed to predict the effect of missense changes on protein structure and function (PolyPhen-2) suggests that this variant is likely to be disruptive. In summary, the available evidence is currently insufficient to determine the role of this variant in disease. Therefore, it has been classified as a Variant of Uncertain Significance.

GeneDx
Classification: Uncertain significance. Last evaluated: 2023-11-22. Review status: criteria provided, single submitter. Criteria: GeneDx Variant Classification Process June 2021. Collection method: clinical testing. Allele origin: germline. Affected: yes.
Comment: Not observed at significant frequency in large population cohorts (gnomAD); In silico analysis supports that this missense variant has a deleterious effect on protein structure/function; Has not been previously published as pathogenic or benign to our knowledge; This variant is associated with the following publications: (PMID: 15235021, 22850631)

NM_004360.5(CDH1):c.922G>C (p.Asp308His)

Gene: CDH1 (cadherin 1; plus strand). Cytogenetic location: 16q22.1.
Variant type: single nucleotide variant.
Coding change: c.922G>C on transcript NM_004360.5 (MANE Select); coding-DNA position 922, G replaced by C.
Protein change: p.Asp308His; replaces aspartic acid 308 with histidine.
Molecular consequence: missense variant. On other transcripts: 5 prime UTR variant (2).
Genome position (GRCh38, 1-based): chr16:68,811,773, G>C. VCF-style: chr16-68811773-G-C. GRCh37 (hg19) VCF-style: chr16-68845676-G-C.
Other names: c.922G>C, p.Asp308His (NM_001317184.2); c.-694G>C (NM_001317185.2); c.-898G>C (NM_001317186.2); c.922G>C (LRG_301t1); short protein forms D308H.
Identifiers: ClinVar variation 483243 (VCV000483243.17), dbSNP rs1339256204, ClinGen allele CA396459723.